The following is an entry in ClinVar:

ClinVar aggregate classification (germline): Pathogenic (1 of 4 stars; one submission).

Conditions:
Cornelia de Lange syndrome 1 (CDLS1). Also called: TYPUS DEGENERATIVUS AMSTELODAMENSIS; Brachmann de Lange syndrome; NIPBL-Related Cornelia de Lange Syndrome. Identifiers: Orphanet 199, MedGen C4551851, MONDO:0007387, OMIM 122470.

Submission:

Victorian Clinical Genetics Services, Murdoch Childrens Research Institute
Classification: Pathogenic for Cornelia de Lange syndrome 1. Last evaluated: 2026-06-17. Review status: criteria provided, single submitter. Criteria: ACMG Guidelines, 2015. Collection method: clinical testing. Allele origin: germline. Affected: yes.
Comment: This variant is classified as Pathogenic. Evidence in support of pathogenic classification: Variant is predicted to result in a truncated protein (premature termination codon is NOT located at least 54 nucleotides upstream of the final exon-exon junction) with less than 1/3 of the protein sequence affected; Variant is absent from gnomAD (v2, v3 and v4); Other protein truncating variant(s) comparable to the one identified in this case have very strong previous evidence for pathogenicity (DECIPHER); Additional information: This variant is heterozygous; This gene is associated with autosomal dominant disease; Loss of function is a known mechanism of disease in this gene and is associated with Cornelia de Lange syndrome 1 (MIM#122470).

NM_133433.4(NIPBL):c.8154del (p.Lys2717_Tyr2718insTer)

Gene: NIPBL (NIPBL cohesin loading factor; plus strand). Cytogenetic location: 5p13.2.
Variant type: Deletion.
Coding change: c.8154del on transcript NM_133433.4 (MANE Select); coding-DNA position 8154, one base deleted (C; older notation c.8154delC).
Protein change: p.Lys2717_Tyr2718insTer.
Molecular consequence: nonsense. On other transcripts: 3 prime UTR variant (2).
Genome position (GRCh38, 1-based): chr5:37,064,631, C deleted. VCF-style (leftmost placement, unchanged base first): chr5-37064630-AC-A. GRCh37 (hg19) VCF-style: chr5-37064732-AC-A.
Other names: c.*608del (NM_015384.5); c.*98del (NM_001438586.1).
Identifiers: ClinVar variation 4879733 (VCV004879733.1).
Genomic context (GRCh38, chr5:37,064,630, plus strand): 5'-CAGCACAGATGAATGAAAGTGTTGACGTCATGGATGTCATCGCTATTTGCTGTCCAAAGT[AC>A]AAAGATCGACCACAAATTGCAAGAGTAGTGCAGAAAACCAGCAGTGGCTTCAGTGTTCAG-3'